The following is an entry in ClinVar:

NM_000136.3(FANCC):c.407A>C (p.Gln136Pro)

Gene: FANCC (FA complementation group C; minus strand). Cytogenetic location: 9q22.32.
Variant type: single nucleotide variant.
Coding change: c.407A>C on transcript NM_000136.3 (MANE Select); coding-DNA position 407, A replaced by C.
Protein change: p.Gln136Pro; replaces glutamine 136 with proline.
Molecular consequence: missense variant.
Genome position (GRCh38, 1-based): chr9:95,172,086, T>G on the plus strand (A>C on the coding strand, the complement: FANCC is on the minus strand). VCF-style: chr9-95172086-T-G. GRCh37 (hg19) VCF-style: chr9-97934368-T-G.
Other names: c.407A>C, p.Gln136Pro (NM_001243743.2, NM_001243744.2); short protein forms Q136P.
Identifiers: ClinVar variation 1218708 (VCV001218708.10), dbSNP rs1180924540, ClinGen allele CA374338794.

ClinVar aggregate classification (germline): Uncertain significance. Review status: criteria provided, multiple submitters, no conflicts (2 of 4 stars). 3 submissions from 3 submitters: Uncertain significance (3). Last evaluated 2024-01-02.

Conditions:
Hereditary cancer-predisposing syndrome. Also called: Neoplastic Syndromes, Hereditary; Tumor predisposition; Hereditary neoplastic syndrome; Hereditary Cancer Syndrome. Identifiers: Orphanet 140162, MedGen C0027672, MeSH D009386, MONDO:0015356.
Fanconi anemia (FA). Also called: Fanconi's anemia. Identifiers: Orphanet 84, MedGen C0015625, MeSH D005199, MONDO:0019391.

Allele frequency attached by ClinVar (database versions not stated): gnomAD exomes below 0.00001 and 0.00004; TOPMed below 0.00001; gnomAD 0.00001.
gnomAD v4.1: 57 of 1,613,330 alleles (0.0035%); highest among the groups gnomAD compares: Non-Finnish European, 0.0048%; no homozygotes.

Submissions (3):

GeneDx
Classification: Uncertain significance. Last evaluated: 2024-01-02. Review status: criteria provided, single submitter. Criteria: GeneDx Variant Classification Process June 2021. Collection method: clinical testing. Allele origin: germline. Affected: yes.
Comment: Not observed at significant frequency in large population cohorts (gnomAD); In silico analysis supports that this missense variant has a deleterious effect on protein structure/function; Has not been previously published as pathogenic or benign to our knowledge; In silico analysis suggests this variant may impact gene splicing. In the absence of RNA/functional studies, the actual effect of this sequence change is unknown.; This variant is associated with the following publications: (PMID: Gordon2000[Book])

Labcorp Genetics (formerly Invitae), Labcorp
Classification: Uncertain significance for Fanconi anemia. Last evaluated: 2022-10-05. Review status: criteria provided, single submitter. Criteria: Invitae Variant Classification Sherloc (09022015). Collection method: clinical testing. Allele origin: germline.
Comment: This sequence change replaces glutamine, which is neutral and polar, with proline, which is neutral and non-polar, at codon 136 of the FANCC protein (p.Gln136Pro). This variant is present in population databases (no rsID available, gnomAD 0.002%). This variant has not been reported in the literature in individuals affected with FANCC-related conditions. ClinVar contains an entry for this variant (Variation ID: 1218708). Advanced modeling of protein sequence and biophysical properties (such as structural, functional, and spatial information, amino acid conservation, physicochemical variation, residue mobility, and thermodynamic stability) performed at Invitae indicates that this missense variant is not expected to disrupt FANCC protein function. Algorithms developed to predict the effect of sequence changes on RNA splicing suggest that this variant may create or strengthen a splice site. In summary, the available evidence is currently insufficient to determine the role of this variant in disease. Therefore, it has been classified as a Variant of Uncertain Significance.

Ambry Genetics
Classification: Uncertain significance for Hereditary cancer-predisposing syndrome. Last evaluated: 2022-09-23. Review status: criteria provided, single submitter. Criteria: Ambry Variant Classification Scheme 2023. Collection method: clinical testing. Allele origin: germline.
Comment: The p.Q136P variant (also known as c.407A>C), located in coding exon 4 of the FANCC gene, results from an A to C substitution at nucleotide position 407. The glutamine at codon 136 is replaced by proline, an amino acid with similar properties. This amino acid position is not well conserved in available vertebrate species. In addition, this alteration is predicted to be tolerated by in silico analysis. Since supporting evidence is limited at this time, the clinical significance of this alteration remains unclear.